The following is an entry in ClinVar:

NM_153240.5(NPHP3):c.3571-3T>C

Genes: NPHP3 (nephrocystin 3; minus strand), NPHP3-ACAD11 (NPHP3-ACAD11 readthrough (NMD candidate); minus strand). Cytogenetic location: 3q22.1.
Variant type: single nucleotide variant.
Coding change: c.3571-3T>C on transcript NM_153240.5 (MANE Select); 3 bases into the intron before coding-DNA position 3571, T replaced by C.
Molecular consequence: intron variant.
Genome position (GRCh38, 1-based): chr3:132,683,527, A>G on the plus strand (T>C on the coding strand, the complement: NPHP3 is on the minus strand). VCF-style: chr3-132683527-A-G. GRCh37 (hg19) VCF-style: chr3-132402371-A-G.
Identifiers: ClinVar variation 1919351 (VCV001919351.4), dbSNP rs751979531, ClinGen allele CA2621701.

ClinVar aggregate classification (germline): Uncertain significance (1 of 4 stars; one submission).

Conditions:
Nephronophthisis. Also called: Juvenile Nephronophthisis. Identifiers: Orphanet 655, MedGen C0687120, MONDO:0019005, HP:0000090.

Allele frequency attached by ClinVar (database versions not stated): ExAC 0.00001; gnomAD 0.00001; gnomAD exomes 0.00001; TOPMed 0.00001.
gnomAD v4.1: 6 of 1,610,358 alleles (0.00037%); highest among the groups gnomAD compares: East Asian, 0.0089%; no homozygotes.

Submission:

Labcorp Genetics (formerly Invitae), Labcorp
Classification: Uncertain significance for Nephronophthisis. Last evaluated: 2024-03-04. Review status: criteria provided, single submitter. Criteria: Invitae Variant Classification Sherloc (09022015). Collection method: clinical testing. Allele origin: germline.
Comment: This sequence change falls in intron 24 of the NPHP3 gene. It does not directly change the encoded amino acid sequence of the NPHP3 protein. It affects a nucleotide within the consensus splice site. This variant is present in population databases (rs751979531, gnomAD 0.007%). This variant has not been reported in the literature in individuals affected with NPHP3-related conditions. ClinVar contains an entry for this variant (Variation ID: 1919351). Variants that disrupt the consensus splice site are a relatively common cause of aberrant splicing (PMID: 17576681, 9536098). Algorithms developed to predict the effect of sequence changes on RNA splicing suggest that this variant is not likely to affect RNA splicing. In summary, the available evidence is currently insufficient to determine the role of this variant in disease. Therefore, it has been classified as a Variant of Uncertain Significance.

Literature cited by the submitters: PubMed 17576681; PubMed 9536098.